The following is an entry in ClinVar:

ClinVar aggregate classification (germline): Likely benign (0 of 4 stars; one submission).

Conditions:
CTNND1-related disorder. Also called: CTNND1-related condition.

Allele frequency attached by ClinVar (database versions not stated): gnomAD 0.00001; TOPMed 0.00002; ESP Exome Variant Server 0.00016.
gnomAD v4.1: 9 of 1,602,950 alleles (0.00056%); highest among the groups gnomAD compares: African/African-American, 0.0054%; no homozygotes.

Submission:

PreventionGenetics, part of Exact Sciences
Classification: Likely benign for CTNND1-related condition. Last evaluated: 2019-06-14. Review status: no assertion criteria provided. Collection method: clinical testing. Allele origin: germline.
Comment: This variant is classified as likely benign based on ACMG/AMP sequence variant interpretation guidelines (Richards et al. 2015 PMID: 25741868, with internal and published modifications).

NM_001085458.2(CTNND1):c.2092-7A>G

Genes: CTNND1 (catenin delta 1; plus strand), TMX2-CTNND1 (TMX2-CTNND1 readthrough (NMD candidate); plus strand). Cytogenetic location: 11q12.1.
Variant type: single nucleotide variant.
Coding change: c.2092-7A>G on transcript NM_001085458.2 (MANE Select); 7 bases into the intron before coding-DNA position 2092, A replaced by G.
Molecular consequence: intron variant.
Genome position (GRCh38, 1-based): chr11:57,808,383, A>G. VCF-style: chr11-57808383-A-G. GRCh37 (hg19) VCF-style: chr11-57575855-A-G.
Other names: c.2092-7A>G (NM_001206885.2); c.2074-7A>G (NM_001085459.2, NM_001085461.2, NM_001331.3 and 2 more transcripts); c.1912-7A>G (NM_001206891.2, NM_001206889.2, NM_001206886.2 and 2 more transcripts); c.1771-7A>G (NM_001085467.2, NM_001206890.2, NM_001085464.2 and 3 more transcripts); c.1930-7A>G (NM_001206883.2, NM_001206884.2); c.1789-7A>G (NM_001085463.2, NM_001085466.2).
Identifiers: ClinVar variation 3033404 (VCV003033404.2), dbSNP rs373237963, ClinGen allele CA6010595.